The following is an entry in ClinVar:

NM_001267550.2(TTN):c.105275G>A (p.Ser35092Asn)

Genes: TTN-AS1 (TTN antisense RNA 1; plus strand), TTN (titin; minus strand). Cytogenetic location: 2q31.2.
Variant type: single nucleotide variant.
Coding change: c.105275G>A on transcript NM_001267550.2 (MANE Select); coding-DNA position 105275, G replaced by A.
Protein change: p.Ser35092Asn; replaces serine 35092 with asparagine.
Molecular consequence: missense variant.
Genome position (GRCh38, 1-based): chr2:178,531,340, C>T on the plus strand (G>A on the coding strand, the complement: TTN is on the minus strand). VCF-style: chr2-178531340-C-T. GRCh37 (hg19) VCF-style: chr2-179396067-C-T.
Other names: c.100352G>A, p.Ser33451Asn (NM_001256850.1); c.78080G>A, p.Ser26027Asn (NM_003319.4); c.97571G>A, p.Ser32524Asn (NM_133378.4); c.78455G>A, p.Ser26152Asn (NM_133432.3); c.78656G>A, p.Ser26219Asn (NM_133437.4); short protein forms S26027N, S26219N, S33451N, S35092N, S26152N, S32524N.
Identifiers: ClinVar variation 863544 (VCV000863544.10), dbSNP rs1689031111, ClinGen allele CA349409118.

ClinVar aggregate classification (germline): Uncertain significance (1 of 4 stars; one submission).

Conditions:
Dilated cardiomyopathy 1G (CMD1G). Identifiers: Orphanet 154, MedGen C1858763, MONDO:0011400, OMIM 604145.
Autosomal recessive limb-girdle muscular dystrophy type 2J (LGMDR10). Also called: MUSCULAR DYSTROPHY, LIMB-GIRDLE, AUTOSOMAL RECESSIVE 10; Limb-girdle muscular dystrophy, type 2J. Identifiers: Orphanet 140922, MedGen C1837342, MONDO:0012127, OMIM 608807.

gnomAD v4.1: 16 of 1,614,046 alleles (0.00099%); highest among the groups gnomAD compares: Non-Finnish European, 0.0014%; no homozygotes.

Submission:

Labcorp Genetics (formerly Invitae), Labcorp
Classification: Uncertain significance for Dilated cardiomyopathy 1G; Autosomal recessive limb-girdle muscular dystrophy type 2J. Last evaluated: 2025-04-30. Review status: criteria provided, single submitter. Criteria: Invitae Variant Classification Sherloc (09022015). Collection method: clinical testing. Allele origin: germline.
Comment: This sequence change replaces serine, which is neutral and polar, with asparagine, which is neutral and polar, at codon 35092 of the TTN protein (p.Ser35092Asn). This variant is not present in population databases (gnomAD no frequency). This variant has not been reported in the literature in individuals affected with TTN-related conditions. ClinVar contains an entry for this variant (Variation ID: 863544). Experimental studies and prediction algorithms are not available or were not evaluated, and the functional significance of this variant is currently unknown. This variant is located in the M band of TTN (PMID: 25589632). Non-truncating variants in this region may be relevant for neuromuscular disorders, but have not been definitively shown to cause cardiomyopathy (PMID: 23975875). In summary, the available evidence is currently insufficient to determine the role of this variant in disease. Therefore, it has been classified as a Variant of Uncertain Significance.

Literature cited by the submitters: PubMed 25589632; PubMed 23975875.